The following is an entry in ClinVar:

ClinVar aggregate classification (germline): Uncertain significance (1 of 4 stars; one submission).

Conditions:
Neurodevelopmental disorder with alopecia and brain abnormalities. Also called: Bachmann-Bupp syndrome; Global developmental delay-alopecia-macrocephaly-facial dysmorphism-structural brain anomalies syndrome. Identifiers: Orphanet 544488, MedGen C5436741, MONDO:0033642, OMIM 619075.

Allele frequency attached by ClinVar (database versions not stated): gnomAD exomes below 0.00001; TOPMed 0.00001.
gnomAD v4.1: 1 of 1,613,488 alleles (0.000062%); highest among the groups gnomAD compares: Non-Finnish European, 0.000085%; no homozygotes.

Submission:

Victorian Clinical Genetics Services, Murdoch Childrens Research Institute
Classification: Uncertain significance for Neurodevelopmental disorder with alopecia and brain abnormalities. Last evaluated: 2023-07-17. Review status: criteria provided, single submitter. Criteria: ACMG Guidelines, 2015. Collection method: clinical testing. Allele origin: germline. Inheritance: Autosomal dominant inheritance. Affected: yes.
Comment: Based on the classification scheme VCGS_Germline_v1.3.4, this variant is classified as VUS-3C. Following criteria are met: 0101 - Gain of function is a known mechanism of disease in this gene and is associated with Bachmann-Bupp syndrome (MIM#619075). A pathogenic variant has been shown to truncate the C-terminal 37 amino acid destablisation region, creating a more stable protein with increased expression and enzyme activity (PMID: 30239107). (I) 0107 - This gene is associated with autosomal dominant disease. (I) 0115 - Variants in this gene are known to have variable expressivity. (PMID: 34477286). (I) 0200 - Variant is predicted to result in a missense amino acid change from aspartic acid to glutamic acid. (I) 0251 - This variant is heterozygous. (I) 0301 - Variant is absent from gnomAD (both v2 and v3). (SP) 0309 - Multiple alternative amino acid changes at the same position have been observed in gnomAD (v2) (highest allele count: 1 heterozygote, 0 homozygotes). (I) 0503 - Missense variant consistently predicted to be tolerated by multiple in silico tools or not conserved in placental mammals with a minor amino acid change. (SB) 0600 - Variant is located in the annotated type III pyridoxal 5-phosphate PLP dependent enzyme ornithine decarboxylase domain (DECIPHER, NCBI). (I) 0705 - No comparable missense variants have previous evidence for pathogenicity. (I) 0807 - This variant has no previous evidence of pathogenicity. (I) 0905 - No published segregation evidence has been identified for this variant. (I) 1007 - No published functional evidence has been identified for this variant. (I) Legend: (SP) - Supporting pathogenic, (I) - Information, (SB) - Supporting benign

Literature cited by the submitters: PubMed 30239107; PubMed 34477286.

NM_002539.3(ODC1):c.912T>G (p.Asp304Glu)

Gene: ODC1 (ornithine decarboxylase 1; minus strand). Cytogenetic location: 2p25.1.
Variant type: single nucleotide variant.
Coding change: c.912T>G on transcript NM_002539.3 (MANE Select); coding-DNA position 912, T replaced by G.
Protein change: p.Asp304Glu; replaces aspartic acid 304 with glutamic acid.
Molecular consequence: missense variant.
Genome position (GRCh38, 1-based): chr2:10,442,013, A>C on the plus strand (T>G on the coding strand, the complement: ODC1 is on the minus strand). VCF-style: chr2-10442013-A-C. GRCh37 (hg19) VCF-style: chr2-10582139-A-C.
Other names: c.525T>G, p.Asp175Glu (NM_001287188.2); c.912T>G, p.Asp304Glu (NM_001287189.2, NM_001287190.2); short protein forms D175E, D304E.
Identifiers: ClinVar variation 1699146 (VCV001699146.3), dbSNP rs139046118, ClinGen allele CA345814025.